The following is an entry in ClinVar:

NM_003014.4(SFRP4):c.613G>C (p.Ala205Pro)

Gene: SFRP4 (secreted frizzled related protein 4; minus strand). Cytogenetic location: 7p14.1.
Variant type: single nucleotide variant.
Coding change: c.613G>C on transcript NM_003014.4 (MANE Select); coding-DNA position 613, G replaced by C.
Protein change: p.Ala205Pro; replaces alanine 205 with proline.
Molecular consequence: missense variant.
Genome position (GRCh38, 1-based): chr7:37,912,297, C>G on the plus strand (G>C on the coding strand, the complement: SFRP4 is on the minus strand). VCF-style: chr7-37912297-C-G. GRCh37 (hg19) VCF-style: chr7-37951899-C-G.
Other names: short protein forms A205P.
Identifiers: ClinVar variation 1347244 (VCV001347244.8), dbSNP rs1785505972, ClinGen allele CA367219582.

ClinVar aggregate classification (germline): Uncertain significance (1 of 4 stars; one submission).

Allele frequency attached by ClinVar (database versions not stated): TOPMed below 0.00001.

Submission:

Labcorp Genetics (formerly Invitae), Labcorp
Classification: Uncertain significance. Last evaluated: 2021-02-28. Review status: criteria provided, single submitter. Criteria: Invitae Variant Classification Sherloc (09022015). Collection method: clinical testing. Allele origin: germline.
Comment: This sequence change replaces alanine with proline at codon 205 of the SFRP4 protein (p.Ala205Pro). The alanine residue is moderately conserved and there is a small physicochemical difference between alanine and proline. This variant is not present in population databases (ExAC no frequency). This variant has not been reported in the literature in individuals with SFRP4-related conditions. Algorithms developed to predict the effect of missense changes on protein structure and function are either unavailable or do not agree on the potential impact of this missense change (SIFT: "Tolerated"; PolyPhen-2: "Possibly Damaging"; Align-GVGD: "Class C0"). In summary, the available evidence is currently insufficient to determine the role of this variant in disease. Therefore, it has been classified as a Variant of Uncertain Significance.